The following is an entry in ClinVar:

NM_207361.6(FREM2):c.7209T>C (p.Cys2403=)

Gene: FREM2 (FRAS1 related extracellular matrix 2; plus strand). Cytogenetic location: 13q13.3.
Variant type: single nucleotide variant.
Coding change: c.7209T>C on transcript NM_207361.6 (MANE Select); coding-DNA position 7209, T replaced by C.
Protein change: p.Cys2403=; no amino-acid change (cysteine 2403 retained).
Molecular consequence: synonymous variant.
Genome position (GRCh38, 1-based): chr13:38,858,027, T>C. VCF-style: chr13-38858027-T-C. GRCh37 (hg19) VCF-style: chr13-39432164-T-C.
Identifiers: ClinVar variation 2643774 (VCV002643774.27), dbSNP rs773183359, ClinGen allele CA6955783.

ClinVar aggregate classification (germline): Likely benign. Review status: criteria provided, multiple submitters, no conflicts (2 of 4 stars). 2 submissions from 2 submitters: Likely benign (2). Last evaluated 2023-10-17.

Allele frequency attached by ClinVar (database versions not stated): TOPMed 0.00001; ExAC 0.00002; gnomAD 0.00001; gnomAD exomes 0.00001.
gnomAD v4.1: 14 of 1,613,466 alleles (0.00087%); highest among the groups gnomAD compares: Admixed American, 0.0017%; no homozygotes.

Submissions (2):

Labcorp Genetics (formerly Invitae), Labcorp
Classification: Likely benign. Last evaluated: 2023-10-17. Review status: criteria provided, single submitter. Criteria: Invitae Variant Classification Sherloc (09022015). Collection method: clinical testing. Allele origin: germline.

CeGaT Center for Human Genetics Tuebingen
Classification: Likely benign. Last evaluated: 2023-01-01. Review status: criteria provided, single submitter. Criteria: CeGaT Center For Human Genetics Tuebingen Variant Classification Criteria Version 2. Collection method: clinical testing. Allele origin: germline. Affected: yes. Observed: 1 variant allele.
Comment: FREM2: BP4, BP7